The following is an entry in ClinVar:

NM_005035.4(POLRMT):c.1441C>T (p.Arg481Trp)

Gene: POLRMT (RNA polymerase mitochondrial; minus strand). Cytogenetic location: 19p13.3.
Variant type: single nucleotide variant.
Coding change: c.1441C>T on transcript NM_005035.4 (MANE Select); coding-DNA position 1441, C replaced by T.
Protein change: p.Arg481Trp; replaces arginine 481 with tryptophan.
Molecular consequence: missense variant. On other transcripts: non-coding transcript variant (1).
Genome position (GRCh38, 1-based): chr19:622,835, G>A on the plus strand (C>T on the coding strand, the complement: POLRMT is on the minus strand). VCF-style: chr19-622835-G-A. GRCh37 (hg19) VCF-style: chr19-622835-G-A.
Other names: c.1441C>T, p.Arg481Trp (NM_001407805.1, NM_001407806.1, NM_001407808.1 and 8 more transcripts); c.1429C>T, p.Arg477Trp (NM_001407807.1, NM_001407810.1); c.1399C>T, p.Arg467Trp (NM_001407811.1, NM_001407813.1); c.1117C>T, p.Arg373Trp (NM_001407831.1, NM_001407833.1, NM_001407834.1 and 2 more transcripts); short protein forms R373W, R467W, R477W, R481W.
Identifiers: ClinVar variation 2510176 (VCV002510176.26), dbSNP rs377471726, ClinGen allele CA9020302.

ClinVar aggregate classification (germline): Uncertain significance. Review status: criteria provided, multiple submitters, no conflicts (2 of 4 stars). 2 submissions from 2 submitters: Uncertain significance (2). Last evaluated 2025-05-28.

Allele frequency attached by ClinVar (database versions not stated): ExAC 0.00002; ESP Exome Variant Server 0.00008.
gnomAD v4.1: 111 of 1,597,730 alleles (0.0069%); highest among the groups gnomAD compares: Admixed American, 0.0086%; no homozygotes.

Submissions (2):

Ambry Genetics
Classification: Uncertain significance. Last evaluated: 2025-05-28. Review status: criteria provided, single submitter. Criteria: Ambry Variant Classification Scheme 2023. Collection method: clinical testing. Allele origin: germline.

CeGaT Center for Human Genetics Tuebingen
Classification: Uncertain significance. Last evaluated: 2022-08-01. Review status: criteria provided, single submitter. Criteria: CeGaT Center For Human Genetics Tuebingen Variant Classification Criteria Version 2. Collection method: clinical testing. Allele origin: germline. Affected: yes. Observed: 1 variant allele.
Comment: POLRMT: PM2, BP4